The following is an entry in ClinVar:

ClinVar aggregate classification (germline): Uncertain significance. Review status: criteria provided, multiple submitters, no conflicts (2 of 4 stars). 3 submissions from 3 submitters: Uncertain significance (3). Last evaluated 2026-03-10.

Conditions:
DK1-congenital disorder of glycosylation. Also called: DK1-CDG; CDG Im; DK1 DEFICIENCY; DOLICHOL KINASE DEFICIENCY; DOLK-congenital disorder of glycosylation; Carbohydrate deficient glycoprotein syndrome type 1m. Identifiers: Orphanet 91131, MedGen C1835849, MONDO:0012556, OMIM 610768.
Cardiovascular phenotype. Identifiers: MedGen CN230736.

Allele frequency attached by ClinVar (database versions not stated): gnomAD 0.00001; gnomAD exomes 0.00001; TOPMed below 0.00001; ExAC 0.00002.
gnomAD v4.1: 14 of 1,613,996 alleles (0.00087%); highest among the groups gnomAD compares: Non-Finnish European, 0.0012%; no homozygotes.

Submissions (3):

GeneDx
Classification: Uncertain significance. Last evaluated: 2026-03-10. Review status: criteria provided, single submitter. Criteria: GeneDx Variant Classification Process June 2021. Collection method: clinical testing. Allele origin: germline.
Comment: Not observed at significant frequency in large population cohorts (gnomAD); In silico analysis suggests that this missense variant does not alter protein structure/function; Has not been previously published as pathogenic or benign to our knowledge

Labcorp Genetics (formerly Invitae), Labcorp
Classification: Uncertain significance for DK1-congenital disorder of glycosylation. Last evaluated: 2026-01-06. Review status: criteria provided, single submitter. Criteria: Invitae Variant Classification Sherloc (09022015). Collection method: clinical testing. Allele origin: germline.
Comment: This sequence change replaces isoleucine, which is neutral and non-polar, with methionine, which is neutral and non-polar, at codon 201 of the DOLK protein (p.Ile201Met). This variant is present in population databases (rs765382712, gnomAD 0.002%). This variant has not been reported in the literature in individuals affected with DOLK-related conditions. ClinVar contains an entry for this variant (Variation ID: 938827). Invitae Evidence Modeling of protein sequence and biophysical properties (such as structural, functional, and spatial information, amino acid conservation, physicochemical variation, residue mobility, and thermodynamic stability) indicates that this missense variant is not expected to disrupt DOLK protein function with a negative predictive value of 80%. In summary, the available evidence is currently insufficient to determine the role of this variant in disease. Therefore, it has been classified as a Variant of Uncertain Significance.

Ambry Genetics
Classification: Uncertain significance for Cardiovascular phenotype. Last evaluated: 2024-10-15. Review status: criteria provided, single submitter. Criteria: Ambry Variant Classification Scheme 2023. Collection method: clinical testing. Allele origin: germline.
Comment: The p.I201M variant (also known as c.603T>G), located in coding exon 1 of the DOLK gene, results from a T to G substitution at nucleotide position 603. The isoleucine at codon 201 is replaced by methionine, an amino acid with highly similar properties. This amino acid position is conserved. In addition, this alteration is predicted to be tolerated by in silico analysis. Based on the available evidence, the clinical significance of this variant remains unclear.

NM_014908.4(DOLK):c.603T>G (p.Ile201Met)

Gene: DOLK (dolichol kinase; minus strand). Cytogenetic location: 9q34.11.
Variant type: single nucleotide variant.
Coding change: c.603T>G on transcript NM_014908.4 (MANE Select); coding-DNA position 603, T replaced by G.
Protein change: p.Ile201Met; replaces isoleucine 201 with methionine.
Molecular consequence: missense variant.
Genome position (GRCh38, 1-based): chr9:128,946,701, A>C on the plus strand (T>G on the coding strand, the complement: DOLK is on the minus strand). VCF-style: chr9-128946701-A-C. GRCh37 (hg19) VCF-style: chr9-131708980-A-C.
Other names: short protein forms I201M.
Identifiers: ClinVar variation 938827 (VCV000938827.12), dbSNP rs765382712, ClinGen allele CA5271713.